The following is an entry in ClinVar:

ClinVar aggregate classification (germline): Uncertain significance (1 of 4 stars; one submission).

Conditions:
Nephronophthisis 15 (NPHP15). Identifiers: Orphanet 3156, MedGen C3541853, MONDO:0013917, OMIM 614845.

Allele frequency attached by ClinVar (database versions not stated): gnomAD exomes below 0.00001.
gnomAD v4.1: 2 of 1,609,188 alleles (0.00012%); highest among the groups gnomAD compares: South Asian, 0.0022%; no homozygotes.

Submission:

Labcorp Genetics (formerly Invitae), Labcorp
Classification: Uncertain significance for Nephronophthisis 15. Last evaluated: 2024-10-29. Review status: criteria provided, single submitter. Criteria: Invitae Variant Classification Sherloc (09022015). Collection method: clinical testing. Allele origin: germline.
Comment: This sequence change falls in intron 26 of the CEP164 gene. It does not directly change the encoded amino acid sequence of the CEP164 protein. It affects a nucleotide within the consensus splice site. This variant is present in population databases (no rsID available, gnomAD 0.003%). This variant has not been reported in the literature in individuals affected with CEP164-related conditions. ClinVar contains an entry for this variant (Variation ID: 1063145). Variants that disrupt the consensus splice site are a relatively common cause of aberrant splicing (PMID: 17576681, 9536098). Algorithms developed to predict the effect of sequence changes on RNA splicing suggest that this variant may disrupt the consensus splice site. In summary, the available evidence is currently insufficient to determine the role of this variant in disease. Therefore, it has been classified as a Variant of Uncertain Significance.

Literature cited by the submitters: PubMed 17576681; PubMed 9536098.

NM_014956.5(CEP164):c.3278+5G>A

Gene: CEP164 (centrosomal protein 164; plus strand). Cytogenetic location: 11q23.3.
Variant type: single nucleotide variant.
Coding change: c.3278+5G>A on transcript NM_014956.5 (MANE Select); 5 bases into the intron after coding-DNA position 3278, G replaced by A.
Molecular consequence: intron variant.
Genome position (GRCh38, 1-based): chr11:117,396,616, G>A. VCF-style: chr11-117396616-G-A. GRCh37 (hg19) VCF-style: chr11-117267332-G-A.
Other names: c.3287+5G>A (NM_001271933.2).
Identifiers: ClinVar variation 1063145 (VCV001063145.7), dbSNP rs1382315277, ClinGen allele CA601841145.